The following is an entry in ClinVar:

ClinVar aggregate classification (germline): Uncertain significance (1 of 4 stars; one submission).

Conditions:
Hyperphosphatasia with impaired intellectual development syndrome 3. Also called: Hyperphosphatasia with intellectual disability syndrome 3; GLYCOSYLPHOSPHATIDYLINOSITOL BIOSYNTHESIS DEFECT 8. Identifiers: Orphanet 247262, MedGen C3280153, MONDO:0013628, OMIM 614207.

Allele frequency attached by ClinVar (database versions not stated): gnomAD exomes 0.00002; ExAC 0.00012.
gnomAD v4.1: 6 of 1,507,424 alleles (0.0004%); highest among the groups gnomAD compares: South Asian, 0.0074%; no homozygotes.

Submission:

Centre for Mendelian Genomics, University Medical Centre Ljubljana
Classification: Uncertain significance for Hyperphosphatasia with impaired intellectual development syndrome 3. Last evaluated: 2019-08-20. Review status: criteria provided, single submitter. Criteria: ACMG Guidelines, 2015. Collection method: clinical testing. Allele origin: unknown. Affected: yes.
Comment: This variant was classified as: Uncertain significance. The available evidence on this variant's pathogenicity is insufficient or conflicting. The following ACMG criteria were applied in classifying this variant: PM2,PP2.

NM_014489.4(PGAP2):c.349-910C>A

Gene: PGAP2 (post-GPI attachment to proteins 2; plus strand). Cytogenetic location: 11p15.4.
Variant type: single nucleotide variant.
Coding change: c.349-910C>A on transcript NM_014489.4 (MANE Select); 910 bases into the intron before coding-DNA position 349, C replaced by A.
Molecular consequence: intron variant. On other transcripts: missense variant (2), synonymous variant (2), non-coding transcript variant (4).
Genome position (GRCh38, 1-based): chr11:3,822,973, C>A. VCF-style: chr11-3822973-C-A. GRCh37 (hg19) VCF-style: chr11-3844203-C-A.
Other names: c.199C>A, p.His67Asn (NM_001256235.2); c.27C>A, p.Val9= (NM_001346399.2, NM_001346401.2); c.265C>A, p.His89Asn (NM_001346402.2); c.162-1297C>A (NM_001283040.1); c.319-910C>A (NM_001346397.2); c.349-910C>A (NM_001256236.2, NM_001346403.1); c.166-910C>A (NM_001256237.2, NM_001283038.2, NM_001145438.3 and 7 more transcripts); c.-40-640C>A (NM_001283039.2); short protein forms H89N, H67N.
Identifiers: ClinVar variation 931683 (VCV000931683.3), dbSNP rs773988754, ClinGen allele CA5829684.